The following is an entry in ClinVar:

ClinVar aggregate classification (germline): Benign. Review status: criteria provided, multiple submitters, no conflicts (2 of 4 stars). 18 submissions from 18 submitters: Benign (14). 4 of the submissions do not count toward it. Last evaluated 2026-02-04.

Conditions:
Renal cell carcinoma. Identifiers: Orphanet 217071, MedGen C0007134, MeSH D002292, MONDO:0005086, HP:0005584.
Papillary renal cell carcinoma type 1 (RCCP1). Also called: RENAL CELL CARCINOMA, PAPILLARY, 1, SOMATIC; Renal adenocarcinoma; Renal cell carcinoma 1; Renal cell carcinoma, somatic. Identifiers: Orphanet 47044, MedGen C1336839, OMIM 605074, HP:0011797.
Hereditary cancer-predisposing syndrome. Also called: Neoplastic Syndromes, Hereditary; Hereditary Cancer Syndrome; Tumor predisposition; Hereditary neoplastic syndrome. Identifiers: Orphanet 140162, MedGen C0027672, MeSH D009386, MONDO:0015356.
Autosomal recessive nonsyndromic hearing loss 97. Also called: Deafness, autosomal recessive 97. Identifiers: Orphanet 90636, MedGen C4084709, MONDO:0014739, OMIM 616705.

Allele frequency attached by ClinVar (database versions not stated): ESP Exome Variant Server 0.32105; gnomAD 0.34093 and 0.35037; TOPMed 0.34554; 1000 Genomes Project 30x 0.35009; 1000 Genomes Project 0.35463; ExAC 0.42478; gnomAD exomes 0.43485 and 0.44460.
gnomAD v4.1: 703,003 of 1,613,794 alleles (44%); highest among the groups gnomAD compares: Admixed American, 49%; 158,361 homozygotes.

Submissions (18):

Labcorp Genetics (formerly Invitae), Labcorp
Classification: Benign for Renal cell carcinoma. Last evaluated: 2026-02-04. Review status: criteria provided, single submitter. Criteria: Invitae Variant Classification Sherloc (09022015). Collection method: clinical testing. Allele origin: germline.

Hereditary Cancer Laboratory, Hospital Universitario 12 de Octubre
Classification: Benign for Hereditary cancer-predisposing syndrome. Last evaluated: 2025-01-08. Review status: criteria provided, single submitter. Criteria: ACMG Guidelines, 2015. Collection method: clinical testing. Allele origin: germline.
Comment: BA1+BP6+BP7

Blueprint Genetics
Classification: Benign. Last evaluated: 2024-11-27. Review status: criteria provided, single submitter. Criteria: ACMG Guidelines, 2015. Collection method: clinical testing. Allele origin: germline.

Myriad Genetics, Inc.
Classification: Benign for Papillary renal cell carcinoma type 1. Last evaluated: 2024-11-15. Review status: criteria provided, single submitter. Criteria: Myriad Autosomal Dominant, Autosomal Recessive and X-Linked Classification Criteria (2023). Collection method: clinical testing. Allele origin: unknown.
Comment: This variant is considered benign. This variant is a silent/synonymous amino acid change and it is not expected to impact splicing.

KCCC/NGS Laboratory, Kuwait Cancer Control Center
Classification: Benign for Papillary renal cell carcinoma type 1. Last evaluated: 2023-07-07. Review status: criteria provided, single submitter. Criteria: ACMG Guidelines, 2015. Collection method: clinical testing. Allele origin: germline. Affected: yes.

Mayo Clinic Laboratories, Mayo Clinic
Classification: Benign. Last evaluated: 2022-03-10. Review status: criteria provided, single submitter. Criteria: ACMG Guidelines, 2015. Collection method: clinical testing. Allele origin: germline. Observed: 309 variant alleles.

Genome-Nilou Lab
Classification: Benign for Autosomal recessive nonsyndromic hearing loss 97. Last evaluated: 2021-09-05. Review status: criteria provided, single submitter. Criteria: ACMG Guidelines, 2015. Collection method: clinical testing. Allele origin: germline. Affected: no.

Illumina Laboratory Services, Illumina
Classification: Benign for Papillary renal cell carcinoma type 1. Last evaluated: 2018-01-12. Review status: criteria provided, single submitter. Criteria: ICSL Variant Classification Criteria 13 December 2019. Collection method: clinical testing. Allele origin: germline.
Comment: This variant was observed in the ICSL laboratory as part of a predisposition screen in an ostensibly healthy population. It had not been previously curated by ICSL or reported in the Human Gene Mutation Database (HGMD: prior to June 1st, 2018), and was therefore a candidate for classification through an automated scoring system. Utilizing variant allele frequency, disease prevalence and penetrance estimates, and inheritance mode, an automated score was calculated to assess if this variant is too frequent to cause the disease. Based on the score and internal cut-off values, a variant classified as benign is not then subjected to further curation. The score for this variant resulted in a classification of benign for this disease.

Women's Health and Genetics/Laboratory Corporation of America, LabCorp
Classification: Benign. Last evaluated: 2016-08-18. Review status: criteria provided, single submitter. Criteria: LabCorp Variant Classification Summary - May 2015. Collection method: clinical testing. Allele origin: germline.
Comment: Variant summary: The MET c.4146G>A (p.Pro1382Pro) variant causes a synonymous change involving a non-conserved nucleotide with 5/5 splice prediction tools predicting no significant effect on splicing. The variant of interest was observed in the large, broad control population, ExAC, with an allele frequency of 51284/120730 (1/ no significant impact on normal splicing. ESE finder predicts that this variant may affect ESE site of ***. However, these predictions have yet to be confirmed by functional studies. This variant was found in 51284/120730 control chromosomes (1/2, 11610 homozygotes), which significantly exceeds the estimated maximal expected allele frequency for a pathogenic MET variant of 1/666666. In addition, multiple reputable clinical laboratories cite the variant as "benign." Therefore, the variant of interest has been classified as Benign.

GeneDx
Classification: Benign. Last evaluated: 2016-01-19. Review status: criteria provided, single submitter. Criteria: GeneDx Variant Classification (06012015). Collection method: clinical testing. Allele origin: germline. Affected: yes.
Comment: This variant is considered likely benign or benign based on one or more of the following criteria: it is a conservative change, it occurs at a poorly conserved position in the protein, it is predicted to be benign by multiple in silico algorithms, and/or has population frequency not consistent with disease.

Ambry Genetics
Classification: Benign for Hereditary cancer-predisposing syndrome. Last evaluated: 2014-11-19. Review status: criteria provided, single submitter. Criteria: Ambry Variant Classification Scheme 2023. Collection method: clinical testing. Allele origin: germline.

Eurofins Ntd Llc (ga)
Classification: Benign. Last evaluated: 2014-07-30. Review status: criteria provided, single submitter. Criteria: EGL Classification Definitions 2015. Collection method: clinical testing. Allele origin: germline. Observed: 65 variant alleles, 33 heterozygotes, 32 homozygotes.

Breakthrough Genomics
Classification: Benign. Review status: criteria provided, single submitter. Criteria: ACMG Guidelines, 2015. Collection method: not provided. Allele origin: germline. Inheritance: Autosomal recessive inheritance. Affected: yes.

PreventionGenetics, part of Exact Sciences
Classification: Benign. Review status: criteria provided, single submitter. Criteria: ACMG Guidelines, 2015. Collection method: clinical testing. Allele origin: germline.

Clinical Genetics, Academic Medical Center
Classification: Benign. Review status: no assertion criteria provided. Collection method: clinical testing. Allele origin: germline. Affected: yes. Study: VKGL Data-share Consensus. Not counted in ClinVar's aggregate classification.

Diagnostic Laboratory, Department of Genetics, University Medical Center Groningen
Classification: Benign. Review status: no assertion criteria provided. Collection method: clinical testing. Allele origin: germline. Affected: yes. Study: VKGL Data-share Consensus. Not counted in ClinVar's aggregate classification.

Genome Diagnostics Laboratory, University Medical Center Utrecht
Classification: Benign. Review status: no assertion criteria provided. Collection method: clinical testing. Allele origin: germline. Affected: yes. Study: VKGL Data-share Consensus. Not counted in ClinVar's aggregate classification.

Joint Genome Diagnostic Labs from Nijmegen and Maastricht, Radboudumc and MUMC+
Classification: Benign. Review status: no assertion criteria provided. Collection method: clinical testing. Allele origin: germline. Affected: yes. Study: VKGL Data-share Consensus. Not counted in ClinVar's aggregate classification.

NM_000245.4(MET):c.4092G>A (p.Pro1364=)

Gene: MET (MET proto-oncogene, receptor tyrosine kinase; plus strand). Cytogenetic location: 7q31.2.
Variant type: single nucleotide variant.
Coding change: c.4092G>A on transcript NM_000245.4 (MANE Select); coding-DNA position 4092, G replaced by A.
Protein change: p.Pro1364=; no amino-acid change (proline 1364 retained).
Molecular consequence: synonymous variant.
Genome position (GRCh38, 1-based): chr7:116,796,043, G>A. VCF-style: chr7-116796043-G-A. GRCh37 (hg19) VCF-style: chr7-116436097-G-A.
Other names: p.Pro1382=; c.4146G>A, p.Pro1382= (NM_001127500.3); c.2802G>A, p.Pro934= (NM_001324402.2); c.4146G>A (NM_001127500.2); c.4146G>A, p.(=) (LRG_662t1).
Identifiers: ClinVar variation 93576 (VCV000093576.39), dbSNP rs41737, ClinGen allele CA147095.